The following is an entry in ClinVar:

ClinVar aggregate classification (germline): Uncertain significance (1 of 4 stars; one submission).

Submission:

Labcorp Genetics (formerly Invitae), Labcorp
Classification: Uncertain significance. Last evaluated: 2022-06-28. Review status: criteria provided, single submitter. Criteria: Invitae Variant Classification Sherloc (09022015). Collection method: clinical testing. Allele origin: germline.
Comment: In summary, the available evidence is currently insufficient to determine the role of this variant in disease. Therefore, it has been classified as a Variant of Uncertain Significance. Algorithms developed to predict the effect of missense changes on protein structure and function output the following: SIFT: "Tolerated"; PolyPhen-2: "Benign"; Align-GVGD: "Class C0". The alanine amino acid residue is found in multiple mammalian species, which suggests that this missense change does not adversely affect protein function. This variant has not been reported in the literature in individuals affected with CFH-related conditions. This variant is not present in population databases (gnomAD no frequency). This sequence change replaces valine, which is neutral and non-polar, with alanine, which is neutral and non-polar, at codon 686 of the CFH protein (p.Val686Ala).

NM_000186.4(CFH):c.2057T>C (p.Val686Ala)

Gene: CFH (complement factor H; plus strand). Cytogenetic location: 1q31.3.
Variant type: single nucleotide variant.
Coding change: c.2057T>C on transcript NM_000186.4 (MANE Select); coding-DNA position 2057, T replaced by C.
Protein change: p.Val686Ala; replaces valine 686 with alanine.
Molecular consequence: missense variant.
Genome position (GRCh38, 1-based): chr1:196,726,761, T>C. VCF-style: chr1-196726761-T-C. GRCh37 (hg19) VCF-style: chr1-196695891-T-C.
Other names: short protein forms V686A.
Identifiers: ClinVar variation 1351595 (VCV001351595.6), dbSNP rs2149108603, ClinGen allele CA343988448.